The following is an entry in ClinVar:

NC_000002.12:g.(?_110123791)_(110201494_?)dup

Gene: NPHP1 (nephrocystin 1; minus strand). Cytogenetic location: 2q13.
Variant type: Duplication.
Identifiers: ClinVar variation 833391 (VCV000833391.3).

ClinVar aggregate classification (germline): Uncertain significance (1 of 4 stars; one submission).

Conditions:
Nephronophthisis. Also called: Juvenile Nephronophthisis. Identifiers: Orphanet 655, MedGen C0687120, MONDO:0019005, HP:0000090.

Submission:

Labcorp Genetics (formerly Invitae), Labcorp
Classification: Uncertain significance for Nephronophthisis. Last evaluated: 2022-02-24. Review status: criteria provided, single submitter. Criteria: Invitae Variant Classification Sherloc (09022015). Collection method: clinical testing. Allele origin: germline.
Comment: In summary, the available evidence is currently insufficient to determine the role of this variant in disease. Therefore, it has been classified as a Variant of Uncertain Significance. Experimental studies and prediction algorithms are not available or were not evaluated, and the functional significance of this variant is currently unknown. This variant has not been reported in the literature in individuals affected with NPHP1-related conditions. This variant results in a copy number gain of the genomic region encompassing exon(s) 2-20 of the NPHP1 gene. This region includes the termination codon of the gene. This copy number gain extends beyond the assayed region for this gene and therefore may encompass additional genes. As the precise location of this event is unknown, it may be in tandem or it may be located elsewhere in the genome.